The following is an entry in ClinVar:

NM_016042.4(EXOSC3):c.797A>G (p.Lys266Arg)

Gene: EXOSC3 (exosome component 3; minus strand). Cytogenetic location: 9p13.2.
Variant type: single nucleotide variant.
Coding change: c.797A>G on transcript NM_016042.4 (MANE Select); coding-DNA position 797, A replaced by G.
Protein change: p.Lys266Arg; replaces lysine 266 with arginine.
Molecular consequence: missense variant. On other transcripts: 3 prime UTR variant (1).
Genome position (GRCh38, 1-based): chr9:37,780,710, T>C on the plus strand (A>G on the coding strand, the complement: EXOSC3 is on the minus strand). VCF-style: chr9-37780710-T-C. GRCh37 (hg19) VCF-style: chr9-37780707-T-C.
Other names: c.*150A>G (NM_001002269.2); short protein forms K266R.
Identifiers: ClinVar variation 2840066 (VCV002840066.3), dbSNP rs1023854547, ClinGen allele CA192952178.

ClinVar aggregate classification (germline): Uncertain significance (1 of 4 stars; one submission).

Conditions:
Pontocerebellar hypoplasia type 1B. Also called: EXOSC3 Pontocerebellar Hypoplasia. Identifiers: Orphanet 2254, MedGen C3553449, MONDO:0013853, OMIM 614678.

Submission:

Labcorp Genetics (formerly Invitae), Labcorp
Classification: Uncertain significance for Pontocerebellar hypoplasia type 1B. Last evaluated: 2023-02-24. Review status: criteria provided, single submitter. Criteria: Invitae Variant Classification Sherloc (09022015). Collection method: clinical testing. Allele origin: germline.
Comment: In summary, the available evidence is currently insufficient to determine the role of this variant in disease. Therefore, it has been classified as a Variant of Uncertain Significance. Advanced modeling of protein sequence and biophysical properties (such as structural, functional, and spatial information, amino acid conservation, physicochemical variation, residue mobility, and thermodynamic stability) performed at Invitae indicates that this missense variant is not expected to disrupt EXOSC3 protein function. This variant has not been reported in the literature in individuals affected with EXOSC3-related conditions. This variant is present in population databases (no rsID available, gnomAD 0.0009%). This sequence change replaces lysine, which is basic and polar, with arginine, which is basic and polar, at codon 266 of the EXOSC3 protein (p.Lys266Arg).